The following is an entry in ClinVar:

ClinVar aggregate classification (germline): Likely benign. Review status: criteria provided, multiple submitters, no conflicts (2 of 4 stars). 3 submissions from 3 submitters: Likely benign (2). 1 of the submissions does not count toward it. Last evaluated 2025-12-29.

Conditions:
Vitamin B2 deficiency. Identifiers: MedGen C0035528.
SLC52A1-related disorder. Also called: SLC52A1-related condition.

Allele frequency attached by ClinVar (database versions not stated): ESP Exome Variant Server 0.00085; gnomAD 0.00062 and 0.00063; TOPMed 0.00065; gnomAD exomes 0.00074; 1000 Genomes Project 30x 0.00078; 1000 Genomes Project 0.00080; ExAC 0.00083.
gnomAD v4.1: 1,499 of 1,613,774 alleles (0.093%); highest among the groups gnomAD compares: Middle Eastern, 0.21%; 1 homozygote.

Submissions (3):

Labcorp Genetics (formerly Invitae), Labcorp
Classification: Likely benign for Vitamin B2 deficiency. Last evaluated: 2025-12-29. Review status: criteria provided, single submitter. Criteria: Invitae Variant Classification Sherloc (09022015). Collection method: clinical testing. Allele origin: germline.

Breakthrough Genomics
Classification: Likely benign. Review status: criteria provided, single submitter. Criteria: ACMG Guidelines, 2015. Collection method: not provided. Allele origin: germline. Inheritance: Autosomal dominant inheritance. Affected: yes.

PreventionGenetics, part of Exact Sciences
Classification: Likely benign for SLC52A1-related condition. Last evaluated: 2019-06-02. Review status: no assertion criteria provided. Collection method: clinical testing. Allele origin: germline. Not counted in ClinVar's aggregate classification.
Comment: This variant is classified as likely benign based on ACMG/AMP sequence variant interpretation guidelines (Richards et al. 2015 PMID: 25741868, with internal and published modifications).

NM_017986.4(SLC52A1):c.1321G>C (p.Asp441His)

Gene: SLC52A1 (solute carrier family 52 member 1; minus strand). Cytogenetic location: 17p13.2.
Variant type: single nucleotide variant.
Coding change: c.1321G>C on transcript NM_017986.4 (MANE Select); coding-DNA position 1321, G replaced by C.
Protein change: p.Asp441His; replaces aspartic acid 441 with histidine.
Molecular consequence: missense variant.
Genome position (GRCh38, 1-based): chr17:5,032,983, C>G on the plus strand (G>C on the coding strand, the complement: SLC52A1 is on the minus strand). VCF-style: chr17-5032983-C-G. GRCh37 (hg19) VCF-style: chr17-4936278-C-G.
Other names: c.1321G>C (NM_001104577.1); c.1321G>C, p.Asp441His (NM_001104577.2); short protein forms D441H.
Identifiers: ClinVar variation 574646 (VCV000574646.16), dbSNP rs148979394, ClinGen allele CA8319569.
Genomic context (GRCh38, chr17:5,032,983, plus strand): 5'-GGTGGGGTGGAGTTGGGTCCCCACCTGCCCAGGCTCAGGGGCCACAGGGGTCTACACAGT[C>G]CTTTCTGCTTTGAAACACGTGGTAGATGCTGGTGGGAGGGAACATGGCACCGGCACCAAG-3'
Protein context (NP_060456.3, residues 431-448): SIYHVFQSRK[Asp441His]CVDPCGP